The following is an entry in ClinVar:

ClinVar aggregate classification (germline): Uncertain significance (1 of 4 stars; one submission).

Conditions:
Glycogen storage disease due to muscle and heart glycogen synthase deficiency. Also called: GSD 0b; MUSCLE GLYCOGEN SYNTHASE DEFICIENCY. Identifiers: Orphanet 137625, MedGen C1969054, MONDO:0012693, OMIM 611556.

Allele frequency attached by ClinVar (database versions not stated): gnomAD 0.00001 and 0.00003; gnomAD exomes 0.00001 and 0.00002; ExAC 0.00004; 1000 Genomes Project 30x 0.00031; 1000 Genomes Project 0.00040.

Submission:

Labcorp Genetics (formerly Invitae), Labcorp
Classification: Uncertain significance for Glycogen storage disease due to muscle and heart glycogen synthase deficiency. Last evaluated: 2022-08-31. Review status: criteria provided, single submitter. Criteria: Invitae Variant Classification Sherloc (09022015). Collection method: clinical testing. Allele origin: germline.
Comment: In summary, the available evidence is currently insufficient to determine the role of this variant in disease. Therefore, it has been classified as a Variant of Uncertain Significance. This sequence change replaces aspartic acid, which is acidic and polar, with asparagine, which is neutral and polar, at codon 150 of the GYS1 protein (p.Asp150Asn). This variant is present in population databases (rs548135246, gnomAD 0.01%). This variant has not been reported in the literature in individuals affected with GYS1-related conditions. ClinVar contains an entry for this variant (Variation ID: 942370). Algorithms developed to predict the effect of missense changes on protein structure and function are either unavailable or do not agree on the potential impact of this missense change (SIFT: "Deleterious"; PolyPhen-2: "Possibly Damaging"; Align-GVGD: "Class C0").

NM_002103.5(GYS1):c.448G>A (p.Asp150Asn)

Gene: GYS1 (glycogen synthase 1; minus strand). Cytogenetic location: 19q13.33.
Variant type: single nucleotide variant.
Coding change: c.448G>A on transcript NM_002103.5 (MANE Select); coding-DNA position 448, G replaced by A.
Protein change: p.Asp150Asn; replaces aspartic acid 150 with asparagine.
Molecular consequence: missense variant. On other transcripts: non-coding transcript variant (1), intron variant (1).
Genome position (GRCh38, 1-based): chr19:48,987,238, C>T on the plus strand (G>A on the coding strand, the complement: GYS1 is on the minus strand). VCF-style: chr19-48987238-C-T. GRCh37 (hg19) VCF-style: chr19-49490495-C-T.
Other names: c.301-1203G>A (NM_001161587.2); short protein forms D150N.
Identifiers: ClinVar variation 942370 (VCV000942370.9), dbSNP rs548135246, ClinGen allele CA9563342.